The following is an entry in ClinVar:

ClinVar aggregate classification (germline): Benign. Review status: criteria provided, multiple submitters, no conflicts (2 of 4 stars). 3 submissions from 3 submitters: Benign (3). Last evaluated 2024-07-15.

Allele frequency attached by ClinVar (database versions not stated): gnomAD exomes 0.44448; gnomAD 0.48487 and 0.48503; TOPMed 0.49389; 1000 Genomes Project 0.49760; 1000 Genomes Project 30x 0.50203.
gnomAD v4.1: 643,952 of 1,433,638 alleles (45%); highest among the groups gnomAD compares: African/African-American, 61%; 148,246 homozygotes.

Submissions (3):

Unidad de Genómica Garrahan, Hospital de Pediatría Garrahan
Classification: Benign. Last evaluated: 2024-07-15. Review status: criteria provided, single submitter. Criteria: ACMG Guidelines, 2015. Collection method: clinical testing. Allele origin: germline. Affected: no. Observed: 35 variant alleles.
Comment: This variant is classified as Benign based on local population frequency. This variant was detected in 38% of patients studied in a panel designed for Epileptic and Developmental Encephalopathy and Progressive Myoclonus Epilepsy. Number of patients: 35. Only high quality variants are reported.

GeneDx
Classification: Benign. Last evaluated: 2018-07-03. Review status: criteria provided, single submitter. Criteria: GeneDx Variant Classification Process June 2021. Collection method: clinical testing. Allele origin: germline. Affected: yes.

Breakthrough Genomics
Classification: Benign. Review status: criteria provided, single submitter. Criteria: ACMG Guidelines, 2015. Collection method: not provided. Allele origin: germline. Inheritance: Autosomal recessive inheritance. Affected: yes.

NM_003560.4(PLA2G6):c.609+71A>G

Gene: PLA2G6 (phospholipase A2 group VI; minus strand). Cytogenetic location: 22q13.1.
Variant type: single nucleotide variant.
Coding change: c.609+71A>G on transcript NM_003560.4 (MANE Select); 71 bases into the intron after coding-DNA position 609, A replaced by G.
Molecular consequence: intron variant.
Genome position (GRCh38, 1-based): chr22:38,143,034, T>C on the plus strand (A>G on the coding strand, the complement: PLA2G6 is on the minus strand). VCF-style: chr22-38143034-T-C. GRCh37 (hg19) VCF-style: chr22-38539041-T-C.
Other names: c.119+71A>G (NM_001349868.2); c.609+71A>G (NM_001349866.2, NM_001199562.3, NM_001349865.2 and 2 more transcripts); c.75+71A>G (NM_001349869.2, NM_001349867.2).
Identifiers: ClinVar variation 1293120 (VCV001293120.5), dbSNP rs4375, ClinGen allele CA14927153.
Genomic context (GRCh38, chr22:38,143,034, plus strand): 5'-GAGCTCAGGCCTCAAGGACCAATGGGGGACAGTGAGAGGCCTGAGAGTGACACCTGAGCC[T>C]AGGGGCCCAAAGGGAACCGTGGACACCGGGAGGTATCAGTACCAGTCACCCTGCCCCTCC-3'